The following is an entry in ClinVar:

ClinVar aggregate classification (germline): Uncertain significance. Review status: criteria provided, multiple submitters, no conflicts (2 of 4 stars). 2 submissions from 2 submitters: Uncertain significance (2). Last evaluated 2022-02-15.

Conditions:
Capillary malformation-arteriovenous malformation syndrome. Also called: Capillary malformation-arteriovenous malformation. Identifiers: Orphanet 137667, MedGen C1842180, MONDO:0012016.

gnomAD v4.1: 2 of 1,611,636 alleles (0.00012%); highest among the groups gnomAD compares: Admixed American, 0.0017%; no homozygotes.

Submissions (2):

GeneDx
Classification: Uncertain significance. Last evaluated: 2022-02-15. Review status: criteria provided, single submitter. Criteria: GeneDx Variant Classification Process June 2021. Collection method: clinical testing. Allele origin: germline. Affected: yes.
Comment: Not observed at significant frequency in large population cohorts (gnomAD); In silico analysis supports that this missense variant does not alter protein structure/function; Has not been previously published as pathogenic or benign to our knowledge

Labcorp Genetics (formerly Invitae), Labcorp
Classification: Uncertain significance for Capillary malformation-arteriovenous malformation syndrome. Last evaluated: 2022-01-20. Review status: criteria provided, single submitter. Criteria: Invitae Variant Classification Sherloc (09022015). Collection method: clinical testing. Allele origin: germline.
Comment: In summary, the available evidence is currently insufficient to determine the role of this variant in disease. Therefore, it has been classified as a Variant of Uncertain Significance. Algorithms developed to predict the effect of missense changes on protein structure and function (SIFT, PolyPhen-2, Align-GVGD) all suggest that this variant is likely to be tolerated. This variant has not been reported in the literature in individuals affected with RASA1-related conditions. This variant is not present in population databases (gnomAD no frequency). This sequence change replaces serine, which is neutral and polar, with alanine, which is neutral and non-polar, at codon 817 of the RASA1 protein (p.Ser817Ala).

NM_002890.3(RASA1):c.2449T>G (p.Ser817Ala)

Genes: CCNH (cyclin H; minus strand), RASA1 (RAS p21 protein activator 1; plus strand). Cytogenetic location: 5q14.3.
Variant type: single nucleotide variant.
Coding change: c.2449T>G on transcript NM_002890.3 (MANE Select); coding-DNA position 2449, T replaced by G.
Protein change: p.Ser817Ala; replaces serine 817 with alanine.
Molecular consequence: missense variant. On other transcripts: intron variant (1).
Genome position (GRCh38, 1-based): chr5:87,378,500, T>G. VCF-style: chr5-87378500-T-G. GRCh37 (hg19) VCF-style: chr5-86674317-T-G.
Other names: c.1918T>G, p.Ser640Ala (NM_022650.3); c.933+16544A>C (NM_001364075.2); short protein forms S640A, S817A.
Identifiers: ClinVar variation 1700836 (VCV001700836.7), dbSNP rs1252322867, ClinGen allele CA360382600.